The following is an entry in ClinVar:

ClinVar aggregate classification (germline): Likely benign (1 of 4 stars; one submission).

Allele frequency attached by ClinVar (database versions not stated): TOPMed 0.00005; gnomAD 0.00007; gnomAD exomes 0.00010; ExAC 0.00026.
gnomAD v4.1: 104 of 1,127,482 alleles (0.0092%); highest among the groups gnomAD compares: Middle Eastern, 0.019%; 1 homozygote.

Submission:

CeGaT Center for Human Genetics Tuebingen
Classification: Likely benign. Last evaluated: 2024-08-01. Review status: criteria provided, single submitter. Criteria: CeGaT Center For Human Genetics Tuebingen Variant Classification Criteria Version 2. Collection method: clinical testing. Allele origin: germline. Affected: yes. Observed: 2 variant alleles.
Comment: CTBP1: BP4, BP7

NM_001012614.2(CTBP1):c.162+141G>A

Gene: CTBP1 (C-terminal binding protein 1; minus strand). Cytogenetic location: 4p16.3.
Variant type: single nucleotide variant.
Coding change: c.162+141G>A on transcript NM_001012614.2 (MANE Select); 141 bases into the intron after coding-DNA position 162, G replaced by A.
Molecular consequence: intron variant.
Genome position (GRCh38, 1-based): chr4:1,238,042, C>T on the plus strand (G>A on the coding strand, the complement: CTBP1 is on the minus strand). VCF-style: chr4-1238042-C-T. GRCh37 (hg19) VCF-style: chr4-1231830-C-T.
Other names: c.162+141G>A (NM_001377192.1, NM_001377189.1, NM_001377193.1 and 4 more transcripts); c.195+141G>A (NM_001328.3, NM_001377186.1).
Identifiers: ClinVar variation 3234279 (VCV003234279.20), dbSNP rs764754005, ClinGen allele CA2804535.
Genomic context (GRCh38, chr4:1,238,042, plus strand): 5'-GGCAAACCCGATGTCCACCTCCTGATGGTGTCCAGGGAAAACCCCGTGTCCACCTCCTGA[C>T]GGCGCGGGACGACTGGGACAGAGGCTGCTCCTGCCCCAGTGGCACCCAGACCTGCTGTGG-3'